The following continues an entry in ClinVar:

NM_003000.3(SDHB):c.590C>G (p.Pro197Arg)

Gene: SDHB. ClinVar aggregate classification (germline): Pathogenic/Likely pathogenic. Pathogenic (6); Likely pathogenic (3).

Submissions 9 to 11 of 11:

ARUP Laboratories, Molecular Genetics and Genomics, ARUP Laboratories
Classification: Likely pathogenic. Last evaluated: 2019-11-12. Review status: criteria provided, single submitter. Criteria: ARUP Molecular Germline Variant Investigation Process. Collection method: clinical testing. Allele origin: germline.
Comment: The SDHB c.590C>G; p.Pro197Arg variant (rs74315367) is reported in the literature in multiple individuals and families affected with hereditary paraganglioma/pheochromocytoma syndrome, though it has also been reported in several asymptomatic carriers (Astuti 2001, Lawrence 2004, Niemeijer 2017, Rijken 2018, Srirangalingam 2008). Another variant at this codon, p.Pro197Ser, is also reported in individuals with paragangliomas (Hermsen 2010, Lima 2007). The p.Pro197Arg variant is reported in ClinVar (Variation ID: 12779). It is only observed on one allele in the Genome Aggregation Database, indicating it is not a common polymorphism. The proline at codon 197 is highly conserved, and computational analyses (SIFT, PolyPhen-2) predict that this variant is deleterious. While biochemical characterization of p.Pro197Arg variant protein showed no effect on SDH activity or association with SDHA protein, in silico analysis of this variant suggested defective electron transport and generation of reactive oxygen species (Kim 2015). Based on available information, the p.Pro197Arg variant is considered to be likely pathogenic. REFERENCES Astuti D et al. Gene mutations in the succinate dehydrogenase subunit SDHB cause susceptibility to familial pheochromocytoma and to familial paraganglioma. Am J Hum Genet. 2001 Jul;69(1):49-54. Hermsen MA et al. Relevance of germline mutation screening in both familial and sporadic head and neck paraganglioma for early diagnosis and clinical management. Cell Oncol. 2010 Jan 1;32(4):275-83. Kim E et al. Structural and functional consequences of succinate dehydrogenase subunit B mutations. Endocr Relat Cancer. 2015 Jun;22(3):387-97. Lawrence JK et al. Familial paraganglioma: a novel presentation of a case and response to therapy with radiolabelled MIBG. Hormones (Athens). 2004 Apr-Jun;3(2):127-31. Lima J et al. High frequency of germline succinate dehydrogenase mutations in sporadic cervical paragangliomas in northern Spain: mitochondrial succinate dehydrogenase structure-function relationships and clinical-pathological correlations. J Clin Endocrinol Metab. 2007 Dec;92(12):4853-64. Niemeijer ND et al. The phenotype of SDHB germline mutation carriers: a nationwide study. Eur J Endocrinol. 2017 Aug;177(2):115-125. Rijken JA et al. Nationwide study of patients with head and neck paragangliomas carrying SDHB germline mutations. BJS Open. 2018 Feb 6;2(2):62-69. Srirangalingam U et al. Clinical manifestations of familial paraganglioma and phaeochromocytomas in succinate dehydrogenase B (SDH-B) gene mutation carriers. Clin Endocrinol (Oxf). 2008 Oct;69(4):587-96.

OMIM
Classification: Pathogenic for PHEOCHROMOCYTOMA/PARAGANGLIOMA SYNDROME 4. Last evaluated: 2001-07-01. Review status: no assertion criteria provided. Collection method: literature only. Allele origin: germline. Not counted in ClinVar's aggregate classification.

Section on Medical Neuroendocrinolgy, National Institutes of Health
Classification: Likely pathogenic for Hereditary pheochromocytoma and paraganglioma. Review status: no assertion criteria provided. Collection method: research. Allele origin: germline. Affected: yes. Not counted in ClinVar's aggregate classification.

Literature cited by the submitters: PubMed 11404820 (cited by 6 submitters); PubMed 14974914 (cited by 4 submitters); PubMed 18419787 (cited by 4 submitters); PubMed 21348866 (cited by Labcorp Genetics (formerly Invitae), Labcorp and Institute for Genomic Medicine (IGM) Clinical Laboratory, Nationwide Children's Hospital); PubMed 25047027 (cited by Labcorp Genetics (formerly Invitae), Labcorp); PubMed 26556299 (cited by 3 submitters); PubMed 27542510 (cited by Labcorp Genetics (formerly Invitae), Labcorp and Institute for Genomic Medicine (IGM) Clinical Laboratory, Nationwide Children's Hospital); PubMed 28374168 (cited by 3 submitters); PubMed 18519664 (cited by 3 submitters); PubMed 25972245 (cited by 4 submitters); PubMed 28738844 (cited by 3 submitters); PubMed 20208144 (cited by Labcorp Genetics (formerly Invitae), Labcorp); PubMed 16982587 (cited by Women's Health and Genetics/Laboratory Corporation of America, LabCorp and Ambry Genetics); PubMed 19802898 (cited by Women's Health and Genetics/Laboratory Corporation of America, LabCorp); PubMed 30201732 (cited by Women's Health and Genetics/Laboratory Corporation of America, LabCorp); PubMed 29386252 (cited by 3 submitters); PubMed 34452955 (cited by Women's Health and Genetics/Laboratory Corporation of America, LabCorp); PubMed 37008946 (cited by Institute for Genomic Medicine (IGM) Clinical Laboratory, Nationwide Children's Hospital); PubMed 19576851 (cited by 4 submitters); PubMed 32741965 (cited by Myriad Genetics, Inc. and Mayo Clinic Laboratories, Mayo Clinic); PubMed 29623478 (cited by Myriad Genetics, Inc. and Ambry Genetics); PubMed 23934599 (cited by Myriad Genetics, Inc.); PubMed 28503760 (cited by Myriad Genetics, Inc.); PubMed 12364472 (cited by Ambry Genetics); PubMed 12560550 (cited by Ambry Genetics); PubMed 13129931 (cited by Ambry Genetics); PubMed 15989954 (cited by Ambry Genetics); PubMed 29951630 (cited by Ambry Genetics and Mayo Clinic Laboratories, Mayo Clinic); PubMed 28490599 (cited by Mayo Clinic Laboratories, Mayo Clinic); PubMed 31194233 (cited by Mayo Clinic Laboratories, Mayo Clinic); PubMed 34255389 (cited by Mayo Clinic Laboratories, Mayo Clinic); PubMed 34906457 (cited by Mayo Clinic Laboratories, Mayo Clinic).